The following is an entry in ClinVar:

ClinVar aggregate classification (germline): Uncertain significance. Review status: criteria provided, multiple submitters, no conflicts (2 of 4 stars). 2 submissions from 2 submitters: Uncertain significance (2). Last evaluated 2021-03-10.

Conditions:
Very long chain acyl-CoA dehydrogenase deficiency (ACADVLD). Also called: VLCAD Deficiency; Very Long-Chain Acyl-Coenzyme A Dehydrogenase Deficiency. Identifiers: Orphanet 26793, MedGen C3887523, MONDO:0008723, OMIM 201475.

Submissions (2):

Labcorp Genetics (formerly Invitae), Labcorp
Classification: Uncertain significance for Very long chain acyl-CoA dehydrogenase deficiency. Last evaluated: 2021-03-10. Review status: criteria provided, single submitter. Criteria: Invitae Variant Classification Sherloc (09022015). Collection method: clinical testing. Allele origin: germline.
Comment: Algorithms developed to predict the effect of missense changes on protein structure and function are either unavailable or do not agree on the potential impact of this missense change (SIFT: "Deleterious"; PolyPhen-2: "Probably Damaging"; Align-GVGD: "Class C0"). This variant has been observed in individual(s) with Very long-chain acyl-CoA dehydrogenase deficiency (Invitae). ClinVar contains an entry for this variant (Variation ID: 617955). This variant is not present in population databases (ExAC no frequency). This sequence change replaces valine with methionine at codon 317 of the ACADVL protein (p.Val317Met). The valine residue is highly conserved and there is a small physicochemical difference between valine and methionine. In summary, the available evidence is currently insufficient to determine the role of this variant in disease. Therefore, it has been classified as a Variant of Uncertain Significance. This variant disrupts the p.Val317 amino acid residue in ACADVL. Other variant(s) that disrupt this residue have been observed in individuals with ACADVL-related conditions (Invitae), which suggests that this may be a clinically significant amino acid residue.

ARUP Laboratories, Molecular Genetics and Genomics, ARUP Laboratories
Classification: Uncertain significance for Very long chain acyl-CoA dehydrogenase deficiency. Last evaluated: 2020-03-19. Review status: criteria provided, single submitter. Criteria: ARUP Molecular Germline Variant Investigation Process. Collection method: clinical testing. Allele origin: germline.
Comment: The ACADVL c.949G>A; p.Val317Met variant (rs1567565417), also known as p.Val277Met for traditional nomenclature, to our knowledge, is not reported in the medical literature or in gene-specific databases. The variant is reported in the ClinVar database (Variation ID: 617955), but is absent from general population databases (1000 Genomes Project, Exome Variant Server, and Genome Aggregation Database), indicating it is not a common polymorphism. The valine at codon 317 is highly conserved and computational algorithms (PolyPhen-2, SIFT) predict that this variant is deleterious. Another variant at this position (p.Val317Ala) has been described in one individual with very-long-chain acyl-CoA dehydrogenase (VLCAD) deficiency (Andresen 1996). Due to limited information, the clinical significance of the p.Val317Met variant is uncertain at this time. REFERENCE Andresen B et al. Cloning and characterization of human very-long-chain acyl-CoA dehydrogenase cDNA, chromosomal assignment of the gene and identification in four patients of nine different mutations within the VLCAD gene. Hum Mol Genet. 1996 Apr;5(4):461-72.

NM_000018.4(ACADVL):c.949G>A (p.Val317Met)

Gene: ACADVL (acyl-CoA dehydrogenase very long chain; plus strand). Cytogenetic location: 17p13.1.
Variant type: single nucleotide variant.
Coding change: c.949G>A on transcript NM_000018.4 (MANE Select); coding-DNA position 949, G replaced by A.
Protein change: p.Val317Met; replaces valine 317 with methionine.
Molecular consequence: missense variant.
Genome position (GRCh38, 1-based): chr17:7,222,737, G>A. VCF-style: chr17-7222737-G-A. GRCh37 (hg19) VCF-style: chr17-7126056-G-A.
Other names: c.883G>A, p.Val295Met (NM_001033859.3); c.1018G>A, p.Val340Met (NM_001270447.2); c.721G>A, p.Val241Met (NM_001270448.2); short protein forms V241M, V317M, V295M, V340M.
Identifiers: ClinVar variation 617955 (VCV000617955.16), dbSNP rs1567565417, ClinGen allele CA397724031.
Genomic context (GRCh38, chr17:7,222,737, plus strand): 5'-GAGAAGAAGATGGGCATCAAGGCTTCAAACACAGCAGAGGTGTTCTTTGATGGAGTACGG[G>A]TGCCATCGGAGAACGTGCTGGGTGAGGTTGGGAGTGGCTTCAAGGTTGCCATGCACATCC-3'
Protein context (NP_000009.1, residues 307-327): TAEVFFDGVR[Val317Met]PSENVLGEVG